The following is an entry in ClinVar:

NM_000479.5(AMH):c.1193C>T (p.Pro398Leu)

Gene: AMH (anti-Mullerian hormone; plus strand). Cytogenetic location: 19p13.3.
Variant type: single nucleotide variant.
Coding change: c.1193C>T on transcript NM_000479.5 (MANE Select); coding-DNA position 1193, C replaced by T.
Protein change: p.Pro398Leu; replaces proline 398 with leucine.
Molecular consequence: missense variant.
Genome position (GRCh38, 1-based): chr19:2,251,467, C>T. VCF-style: chr19-2251467-C-T. GRCh37 (hg19) VCF-style: chr19-2251466-C-T.
Other names: short protein forms P398L.
Identifiers: ClinVar variation 1338687 (VCV001338687.11), dbSNP rs368933314, ClinGen allele CA9063037.

ClinVar aggregate classification (germline): Conflicting classifications of pathogenicity. Review status: criteria provided, conflicting classifications (1 of 4 stars). 4 submissions from 4 submitters: Uncertain significance (3); Likely benign (1). Last evaluated 2025-02-17.

Conditions:
Persistent Mullerian duct syndrome (PMDS). Also called: PERSISTENT MULLERIAN DUCT SYNDROME, TYPES I AND II; FEMALE GENITAL DUCTS IN OTHERWISE NORMAL MALE; HERNIA UTERI INGUINALE; PERSISTENT OVIDUCT SYNDROME; PSEUDOHERMAPHRODITISM, MALE INTERNAL. Identifiers: Orphanet 2856, MedGen C1849930, MONDO:0009857, OMIM 261550.
AMH-related disorder. Also called: AMH-related condition.

Allele frequency attached by ClinVar (database versions not stated): 1000 Genomes Project 0.00020; 1000 Genomes Project 30x 0.00125.

Submissions (4):

PreventionGenetics, part of Exact Sciences
Classification: Likely benign for AMH-related condition. Last evaluated: 2025-02-17. Review status: criteria provided, single submitter. Criteria: ACMG Guidelines, 2015. Collection method: clinical testing. Allele origin: germline.
Comment: This variant is classified as likely benign based on ACMG/AMP sequence variant interpretation guidelines (Richards et al. 2015 PMID: 25741868, with internal and published modifications).

Labcorp Genetics (formerly Invitae), Labcorp
Classification: Uncertain significance. Last evaluated: 2024-11-05. Review status: criteria provided, single submitter. Criteria: Invitae Variant Classification Sherloc (09022015). Collection method: clinical testing. Allele origin: germline.
Comment: This sequence change replaces proline, which is neutral and non-polar, with leucine, which is neutral and non-polar, at codon 398 of the AMH protein (p.Pro398Leu). This variant is present in population databases (rs368933314, gnomAD 0.1%), including at least one homozygous and/or hemizygous individual. This variant has not been reported in the literature in individuals affected with AMH-related conditions. ClinVar contains an entry for this variant (Variation ID: 1338687). An algorithm developed to predict the effect of missense changes on protein structure and function (PolyPhen-2) suggests that this variant¬†is likely to be tolerated. In summary, the available evidence is currently insufficient to determine the role of this variant in disease. Therefore, it has been classified as a Variant of Uncertain Significance.

Fulgent Genetics
Classification: Uncertain significance for Persistent Mullerian duct syndrome. Last evaluated: 2021-07-21. Review status: criteria provided, single submitter. Criteria: ACMG Guidelines, 2015. Collection method: clinical testing. Allele origin: unknown.

Genetic Services Laboratory, University of Chicago
Classification: Uncertain significance. Last evaluated: 2020-05-11. Review status: criteria provided, single submitter. Criteria: ACMG Guidelines, 2015. Collection method: clinical testing. Allele origin: germline. Affected: no.